The following is an entry in ClinVar:

ClinVar aggregate classification (germline): Conflicting classifications of pathogenicity. Review status: criteria provided, conflicting classifications (1 of 4 stars). 3 submissions from 3 submitters: Uncertain significance (1); Likely benign (2). Last evaluated 2026-01-06.

Conditions:
Trichorhinophalangeal syndrome, type III (TRPS3). Also called: SUGIO-KAJII SYNDROME. Identifiers: Orphanet 77258, MedGen C1860823, OMIM 190351, MONDO:0008597.
Trichorhinophalangeal dysplasia type I (TRPS1). Also called: TRICHORHINOPHALANGEAL SYNDROME, TYPE I; TRPS I. Identifiers: Orphanet 77258, MedGen C0432233, MONDO:0008596, OMIM 190350.
Inborn genetic diseases. Identifiers: MedGen C0950123, MeSH D030342.

Allele frequency attached by ClinVar (database versions not stated): ExAC 0.00003; gnomAD exomes 0.00008 and 0.00024; gnomAD 0.00012; ESP Exome Variant Server 0.00017; TOPMed 0.00017.
gnomAD v4.1: 369 of 1,613,812 alleles (0.023%); highest among the groups gnomAD compares: Non-Finnish European, 0.03%; no homozygotes.

Submissions (3):

Labcorp Genetics (formerly Invitae), Labcorp
Classification: Uncertain significance for Trichorhinophalangeal syndrome, type III; Trichorhinophalangeal dysplasia type I. Last evaluated: 2026-01-06. Review status: criteria provided, single submitter. Criteria: Invitae Variant Classification Sherloc (09022015). Collection method: clinical testing. Allele origin: germline.
Comment: This sequence change replaces serine, which is neutral and polar, with alanine, which is neutral and non-polar, at codon 427 of the TRPS1 protein (p.Ser427Ala). This variant is present in population databases (rs373510969, gnomAD 0.01%), and has an allele count higher than expected for a pathogenic variant. This variant has not been reported in the literature in individuals affected with TRPS1-related conditions. ClinVar contains an entry for this variant (Variation ID: 1475921). Invitae Evidence Modeling of protein sequence and biophysical properties (such as structural, functional, and spatial information, amino acid conservation, physicochemical variation, residue mobility, and thermodynamic stability) indicates that this missense variant is not expected to disrupt TRPS1 protein function with a negative predictive value of 80%. Algorithms developed to predict the effect of sequence changes on RNA splicing suggest that this variant may create or strengthen a splice site. In summary, the available evidence is currently insufficient to determine the role of this variant in disease. Therefore, it has been classified as a Variant of Uncertain Significance.

CeGaT Center for Human Genetics Tuebingen
Classification: Likely benign. Last evaluated: 2025-04-01. Review status: criteria provided, single submitter. Criteria: CeGaT Center For Human Genetics Tuebingen Variant Classification Criteria Version 2. Collection method: clinical testing. Allele origin: germline. Affected: yes. Observed: 1 variant allele.
Comment: TRPS1: BS2

Ambry Genetics
Classification: Likely benign for Inborn genetic diseases. Last evaluated: 2023-03-06. Review status: criteria provided, single submitter. Criteria: Ambry Variant Classification Scheme 2023. Collection method: clinical testing. Allele origin: germline.

NM_014112.5(TRPS1):c.1279T>G (p.Ser427Ala)

Gene: TRPS1 (transcriptional repressor GATA binding 1; minus strand). Cytogenetic location: 8q23.3.
Variant type: single nucleotide variant.
Coding change: c.1279T>G on transcript NM_014112.5 (MANE Select); coding-DNA position 1279, T replaced by G.
Protein change: p.Ser427Ala; replaces serine 427 with alanine.
Molecular consequence: missense variant.
Genome position (GRCh38, 1-based): chr8:115,604,690, A>C on the plus strand (T>G on the coding strand, the complement: TRPS1 is on the minus strand). VCF-style: chr8-115604690-A-C. GRCh37 (hg19) VCF-style: chr8-116616917-A-C.
Other names: c.1279T>G (NM_014112.2); c.1252T>G, p.Ser418Ala (NM_001282902.3); c.1258T>G, p.Ser420Ala (NM_001282903.3); c.1240T>G, p.Ser414Ala (NM_001330599.2); short protein forms S418A, S414A, S420A, S427A.
Identifiers: ClinVar variation 1475921 (VCV001475921.17), dbSNP rs373510969, ClinGen allele CA4851852.